The following is an entry in ClinVar:

ClinVar aggregate classification (germline): Pathogenic (1 of 4 stars; one submission).

Submission:

Labcorp Genetics (formerly Invitae), Labcorp
Classification: Pathogenic. Last evaluated: 2021-12-30. Review status: criteria provided, single submitter. Criteria: Invitae Variant Classification Sherloc (09022015). Collection method: clinical testing. Allele origin: germline.
Comment: For these reasons, this variant has been classified as Pathogenic. Algorithms developed to predict the effect of sequence changes on RNA splicing suggest that this variant may disrupt the consensus splice site. This variant is also known as c.1181+1del. This variant has not been reported in the literature in individuals affected with SMARCD2-related conditions. This variant is not present in population databases (gnomAD no frequency). This sequence change creates a premature translational stop signal (p.Ser394Metfs*23) in the SMARCD2 gene. It is expected to result in an absent or disrupted protein product. Loss-of-function variants in SMARCD2 are known to be pathogenic (PMID: 28369036).

Literature cited by the submitters: PubMed 28369036.

NM_001098426.2(SMARCD2):c.1181+1del

Gene: SMARCD2 (SWI/SNF related BAF chromatin remodeling complex subunit D2; minus strand). Cytogenetic location: 17q23.3.
Variant type: Deletion.
Coding change: c.1181+1del on transcript NM_001098426.2 (MANE Select); the canonical splice donor site of the intron after coding-DNA position 1181, one base deleted (G; older notation c.1181+1delG).
Molecular consequence: splice donor variant.
Genome position (GRCh38, 1-based): chr17:63,833,908, C deleted on the plus strand (G on the coding strand, the reverse complement: SMARCD2 is on the minus strand); the first of 2 consecutive C bases (chr17:63,833,908-63,833,909); deleting either gives the same sequence. VCF-style (leftmost placement, unchanged base first): chr17-63833907-AC-A. GRCh37 (hg19) VCF-style: chr17-61911267-AC-A.
Other names: c.956+1del (NM_001330439.1); c.1037+1del (NM_001330440.2).
Identifiers: ClinVar variation 1454359 (VCV001454359.6), dbSNP rs2144626634, ClinGen allele CA2573154586.
Genomic context (GRCh38, chr17:63,833,907, plus strand): 5'-AGTTCAAGCCAAGGGTGAATCTGCTCTTAGAAGAGCCTTCCTGTCCCCCTCCTTGCATTT[AC>A]CTAATGACATGGTTGATGACAATGGGGTCTGGATGCTGCAGCAACCCTGCCAGCTTCATG-3'